The following is an entry in ClinVar:

ClinVar aggregate classification (germline): Benign. Review status: criteria provided, multiple submitters, no conflicts (2 of 4 stars). 11 submissions from 8 submitters: Benign (11). Last evaluated 2026-02-04.

Conditions:
Familial hypocalciuric hypercalcemia (FHH). Also called: Familial benign hypercalcemia. Identifiers: Orphanet 405, MedGen C1809471, MONDO:0018458.
Autosomal dominant hypocalcemia 1 (HYPOC1). Also called: HYPOCALCEMIA, FAMILIAL. Identifiers: MedGen C3715128, MONDO:0011013, OMIM 601198.
Nephrolithiasis/nephrocalcinosis. Identifiers: MedGen CN580796.
Familial hypocalciuric hypercalcemia 1. Also called: Hypercalcemia, familial benign type 1. Identifiers: Orphanet 405, Orphanet 93372, MedGen C0342637, MONDO:0007791, OMIM 145980.
Neonatal severe primary hyperparathyroidism. Identifiers: Orphanet 417, MedGen C1832615, MONDO:0009397, OMIM 239200.
Familial hypoparathyroidism. Also called: Familial isolated hypoparathyroidism. Identifiers: Orphanet 2238, MedGen C1832648, MONDO:0016390.

Allele frequency attached by ClinVar (database versions not stated): ESP Exome Variant Server 0.00008; TOPMed 0.00385; 1000 Genomes Project 30x 0.01031; 1000 Genomes Project 0.01118.

Submissions (11):

Labcorp Genetics (formerly Invitae), Labcorp
Classification: Benign for Familial hypocalciuric hypercalcemia; Autosomal dominant hypocalcemia 1. Last evaluated: 2026-02-04. Review status: criteria provided, single submitter. Criteria: Invitae Variant Classification Sherloc (09022015). Collection method: clinical testing. Allele origin: germline.

Center for Genomic Medicine, Rigshospitalet, Copenhagen University Hospital
Classification: Benign. Last evaluated: 2025-03-04. Review status: criteria provided, single submitter. Criteria: ACMG Guidelines, 2015. Collection method: clinical testing. Allele origin: germline.

Blueprint Genetics
Classification: Benign. Last evaluated: 2024-11-25. Review status: criteria provided, single submitter. Criteria: ACMG Guidelines, 2015. Collection method: clinical testing. Allele origin: germline.

Mayo Clinic Laboratories, Mayo Clinic
Classification: Benign. Last evaluated: 2022-10-09. Review status: criteria provided, single submitter. Criteria: ACMG Guidelines, 2015. Collection method: clinical testing. Allele origin: germline. Observed: 9 variant alleles.

GeneDx
Classification: Benign. Last evaluated: 2021-03-01. Review status: criteria provided, single submitter. Criteria: GeneDx Variant Classification Process June 2021. Collection method: clinical testing. Allele origin: germline. Affected: yes.
Comment: This variant is associated with the following publications: (PMID: 22192860)

Ambry Genetics
Classification: Benign for Nephrolithiasis/nephrocalcinosis. Last evaluated: 2018-12-07. Review status: criteria provided, single submitter. Criteria: Ambry Variant Classification Scheme 2023. Collection method: clinical testing. Allele origin: germline.

Illumina Laboratory Services, Illumina
Classification: Benign for Neonatal severe primary hyperparathyroidism. Last evaluated: 2018-01-13. Review status: criteria provided, single submitter. Criteria: ICSL Variant Classification Criteria 13 December 2019. Collection method: clinical testing. Allele origin: germline.
Comment: This variant was observed in the ICSL laboratory as part of a predisposition screen in an ostensibly healthy population. It had not been previously curated by ICSL or reported in the Human Gene Mutation Database (HGMD: prior to June 1st, 2018), and was therefore a candidate for classification through an automated scoring system. Utilizing variant allele frequency, disease prevalence and penetrance estimates, and inheritance mode, an automated score was calculated to assess if this variant is too frequent to cause the disease. Based on the score and internal cut-off values, a variant classified as benign is not then subjected to further curation. The score for this variant resulted in a classification of benign for this disease.

Illumina Laboratory Services, Illumina
Classification: Benign for Familial isolated hypoparathyroidism. Last evaluated: 2018-01-13. Review status: criteria provided, single submitter. Criteria: ICSL Variant Classification Criteria 13 December 2019. Collection method: clinical testing. Allele origin: germline.
Comment: the same text as in the submission from Illumina Laboratory Services, Illumina above.

Illumina Laboratory Services, Illumina
Classification: Benign for Autosomal dominant hypocalcemia 1. Last evaluated: 2018-01-13. Review status: criteria provided, single submitter. Criteria: ICSL Variant Classification Criteria 13 December 2019. Collection method: clinical testing. Allele origin: germline.
Comment: the same text as in the submission from Illumina Laboratory Services, Illumina above.

Illumina Laboratory Services, Illumina
Classification: Benign for Familial hypocalciuric hypercalcemia 1. Last evaluated: 2018-01-13. Review status: criteria provided, single submitter. Criteria: ICSL Variant Classification Criteria 13 December 2019. Collection method: clinical testing. Allele origin: germline.
Comment: the same text as in the submission from Illumina Laboratory Services, Illumina above.

Eurofins Ntd Llc (ga)
Classification: Benign. Last evaluated: 2014-09-08. Review status: criteria provided, single submitter. Criteria: EGL Classification Definitions 2015. Collection method: clinical testing. Allele origin: germline. Observed: 1 variant allele, 1 heterozygote.

NM_000388.4(CASR):c.78C>G (p.Ala26=)

Gene: CASR (calcium sensing receptor; plus strand). Cytogenetic location: 3q21.1.
Variant type: single nucleotide variant.
Coding change: c.78C>G on transcript NM_000388.4 (MANE Select); coding-DNA position 78, C replaced by G.
Protein change: p.Ala26=; no amino-acid change (alanine 26 retained).
Molecular consequence: synonymous variant.
Genome position (GRCh38, 1-based): chr3:122,254,267, C>G. VCF-style: chr3-122254267-C-G. GRCh37 (hg19) VCF-style: chr3-121973114-C-G.
Other names: p.Ala26=; c.78C>G, p.Ala26= (NM_001178065.2).
Identifiers: ClinVar variation 193091 (VCV000193091.29), dbSNP rs77852524, ClinGen allele CA200304.